The following is an entry in ClinVar:

ClinVar aggregate classification (germline): Likely benign. Review status: criteria provided, multiple submitters, no conflicts (2 of 4 stars). 2 submissions from 2 submitters: Likely benign (2). Last evaluated 2025-02-12.

Conditions:
Developmental and epileptic encephalopathy, 1 (DEE1). Also called: X-linked infantile spasms; West's syndrome; Tonic spasms with clustering, arrest of psychomotor development and hypsarrhythmia on EEG; X-Linked Infantile Spasm Syndrome; OHTAHARA SYNDROME, X-LINKED; INFANTILE SPASM SYNDROME, X-LINKED 1. Identifiers: MedGen C3463992, MONDO:0010632, OMIM 308350. Disease mechanism: loss of function.
Autosomal recessive spinocerebellar ataxia 12. Also called: SPINOCEREBELLAR ATAXIA WITH MENTAL RETARDATION AND EPILEPSY. Identifiers: Orphanet 284282, MedGen C3280452, MONDO:0013687, OMIM 614322.

Allele frequency attached by ClinVar (database versions not stated): ExAC 0.00001; gnomAD 0.00001; gnomAD exomes 0.00001; TOPMed 0.00001.
gnomAD v4.1: 25 of 1,614,072 alleles (0.0015%); highest among the groups gnomAD compares: Middle Eastern, 0.033%; no homozygotes.

Submissions (2):

Labcorp Genetics (formerly Invitae), Labcorp
Classification: Likely benign for Developmental and epileptic encephalopathy, 1; Autosomal recessive spinocerebellar ataxia 12. Last evaluated: 2025-02-12. Review status: criteria provided, single submitter. Criteria: Invitae Variant Classification Sherloc (09022015). Collection method: clinical testing. Allele origin: germline.

GeneDx
Classification: Likely benign. Last evaluated: 2017-09-05. Review status: criteria provided, single submitter. Criteria: GeneDx Variant Classification (06012015). Collection method: clinical testing. Allele origin: germline. Affected: yes.
Comment: This variant is considered likely benign or benign based on one or more of the following criteria: it is a conservative change, it occurs at a poorly conserved position in the protein, it is predicted to be benign by multiple in silico algorithms, and/or has population frequency not consistent with disease.

NM_016373.4(WWOX):c.222T>C (p.Phe74=)

Gene: WWOX (WW domain containing oxidoreductase; plus strand). Cytogenetic location: 16q23.1.
Variant type: single nucleotide variant.
Coding change: c.222T>C on transcript NM_016373.4 (MANE Select); coding-DNA position 222, T replaced by C.
Protein change: p.Phe74=; no amino-acid change (phenylalanine 74 retained).
Molecular consequence: synonymous variant. On other transcripts: 5 prime UTR variant (1), non-coding transcript variant (1).
Genome position (GRCh38, 1-based): chr16:78,109,827, T>C. VCF-style: chr16-78109827-T-C. GRCh37 (hg19) VCF-style: chr16-78143724-T-C.
Other names: c.-118T>C (NM_001291997.2); c.222T>C, p.Phe74= (NM_130791.5).
Identifiers: ClinVar variation 511916 (VCV000511916.10), dbSNP rs748079925, ClinGen allele CA8183092.
Genomic context (GRCh38, chr16:78,109,827, plus strand): 5'-TTGTGTTTCAGATTTGCCATACGGATGGGAACAAGAAACTGATGAGAACGGACAAGTGTT[T>C]TTTGTTGAGTAAGTGTCTGCAAAGAAACCACTCTCAGCTGTTTTGCTTTTTAATAGGAAT-3'
Protein context (NP_057457.1, residues 64-84): EQETDENGQV[Phe74=]FVDHINKRTT